The following is an entry in ClinVar:

NM_001365276.2(TNXB):c.8939A>C (p.Asp2980Ala)

Gene: TNXB (tenascin XB; minus strand). Cytogenetic location: 6p21.33.
Variant type: single nucleotide variant.
Coding change: c.8939A>C on transcript NM_001365276.2 (MANE Select); coding-DNA position 8939, A replaced by C.
Protein change: p.Asp2980Ala; replaces aspartic acid 2980 with alanine.
Molecular consequence: missense variant.
Genome position (GRCh38, 1-based): chr6:32,052,846, T>G on the plus strand (A>C on the coding strand, the complement: TNXB is on the minus strand). VCF-style: chr6-32052846-T-G. GRCh37 (hg19) VCF-style: chr6-32020623-T-G.
Other names: c.9680A>C, p.Asp3227Ala (NM_001428335.1); c.8933A>C, p.Asp2978Ala (NM_019105.8); short protein forms D2978A, D2980A, D3227A.
Identifiers: ClinVar variation 4865807 (VCV004865807.1).

ClinVar aggregate classification (germline): Uncertain significance (1 of 4 stars; one submission).

Conditions:
Cardiovascular phenotype. Identifiers: MedGen CN230736.

Submission:

Ambry Genetics
Classification: Uncertain significance for Cardiovascular phenotype. Last evaluated: 2026-03-30. Review status: criteria provided, single submitter. Criteria: Ambry Variant Classification Scheme 2023. Collection method: clinical testing. Allele origin: germline.
Comment: The p.D2978A variant (also known as c.8933A>C), located in coding exon 25 of the TNXB gene, results from an A to C substitution at nucleotide position 8933. The aspartic acid at codon 2978 is replaced by alanine, an amino acid with dissimilar properties. This amino acid position is conserved. In addition, this alteration is predicted to be tolerated by in silico analysis. Based on the available evidence, the clinical significance of this variant remains unclear.